The following is an entry in ClinVar:

ClinVar aggregate classification (germline): Uncertain significance (1 of 4 stars; one submission).

Submission:

Labcorp Genetics (formerly Invitae), Labcorp
Classification: Uncertain significance. Last evaluated: 2023-10-22. Review status: criteria provided, single submitter. Criteria: Invitae Variant Classification Sherloc (09022015). Collection method: clinical testing. Allele origin: germline.
Comment: This sequence change replaces histidine, which is basic and polar, with aspartic acid, which is acidic and polar, at codon 244 of the KIF11 protein (p.His244Asp). This variant is not present in population databases (gnomAD no frequency). This variant has not been reported in the literature in individuals affected with KIF11-related conditions. Advanced modeling of protein sequence and biophysical properties (such as structural, functional, and spatial information, amino acid conservation, physicochemical variation, residue mobility, and thermodynamic stability) performed at Invitae indicates that this missense variant is expected to disrupt KIF11 protein function with a positive predictive value of 80%. Algorithms developed to predict the effect of sequence changes on RNA splicing suggest that this variant may disrupt the consensus splice site. In summary, the available evidence is currently insufficient to determine the role of this variant in disease. Therefore, it has been classified as a Variant of Uncertain Significance.

NM_004523.4(KIF11):c.730C>G (p.His244Asp)

Gene: KIF11 (kinesin family member 11; plus strand). Cytogenetic location: 10q23.33.
Variant type: single nucleotide variant.
Coding change: c.730C>G on transcript NM_004523.4 (MANE Select); coding-DNA position 730, C replaced by G.
Protein change: p.His244Asp; replaces histidine 244 with aspartic acid.
Molecular consequence: missense variant.
Genome position (GRCh38, 1-based): chr10:92,613,071, C>G. VCF-style: chr10-92613071-C-G. GRCh37 (hg19) VCF-style: chr10-94372828-C-G.
Other names: short protein forms H244D.
Identifiers: ClinVar variation 2770822 (VCV002770822.3), dbSNP rs2492489516, ClinGen allele CA377590025.